The following is an entry in ClinVar:

NM_000092.5(COL4A4):c.1423G>T (p.Gly475Cys)

Gene: COL4A4 (collagen type IV alpha 4 chain; minus strand). Cytogenetic location: 2q36.3.
Variant type: single nucleotide variant.
Coding change: c.1423G>T on transcript NM_000092.5 (MANE Select); coding-DNA position 1423, G replaced by T.
Protein change: p.Gly475Cys; replaces glycine 475 with cysteine.
Molecular consequence: missense variant.
Genome position (GRCh38, 1-based): chr2:227,089,904, C>A on the plus strand (G>T on the coding strand, the complement: COL4A4 is on the minus strand). VCF-style: chr2-227089904-C-A. GRCh37 (hg19) VCF-style: chr2-227954620-C-A.
Other names: c.1423G>T (NM_000092.4); short protein forms G475C.
Identifiers: ClinVar variation 562397 (VCV000562397.8), dbSNP rs1371408968, ClinGen allele CA350850493.

ClinVar aggregate classification (germline): Likely pathogenic. Review status: criteria provided, multiple submitters, no conflicts (2 of 4 stars). 4 submissions from 4 submitters: Likely pathogenic (3). 1 of the submissions does not count toward it. Last evaluated 2025-09-18.

Conditions:
Alport syndrome. Also called: Hemorrhagic familial nephritis; Hemorrhagic hereditary nephritis; Congenital hereditary hematuria. Identifiers: Orphanet 63, MedGen C1567741, MONDO:0018965.
COL4A4-related disorder.

Allele frequency attached by ClinVar (database versions not stated): gnomAD exomes below 0.00001.
gnomAD v4.1: 1 of 1,613,670 alleles (0.000062%); highest among the groups gnomAD compares: Non-Finnish European, 0.000085%; no homozygotes.

Submissions (4):

Natera, Inc.
Classification: Likely pathogenic for Alport syndrome. Last evaluated: 2025-09-18. Review status: criteria provided, single submitter. Criteria: Natera Variant Classification Schema (03/2026). Collection method: clinical testing. Allele origin: germline.
Comment: The c.1423G>T variant in COL4A4 is a missense variant predicted to cause substitution of glycine to cysteine at amino acid 475. This variant is rare in the general population with a frequency below the threshold expected for the associated phenotype(s). This variant has been observed in one or more individuals affected with the associated recessive disease, as either homozygous or compound heterozygous with a second variant (PMID: 31934206, 33772369). Additionally, this variant has been observed to segregate in affected family members (PMID: 31934206). This variant is located in a functionally critical region of the protein. Computational prediction algorithms indicate this variant is likely to affect gene or protein function. Given the available evidence, this variant is classified as Likely Pathogenic.

Labcorp Genetics (formerly Invitae), Labcorp
Classification: Likely pathogenic. Last evaluated: 2023-12-17. Review status: criteria provided, single submitter. Criteria: Invitae Variant Classification Sherloc (09022015). Collection method: clinical testing. Allele origin: germline.
Comment: This sequence change replaces glycine, which is neutral and non-polar, with cysteine, which is neutral and slightly polar, at codon 475 of the COL4A4 protein (p.Gly475Cys). This variant is not present in population databases (gnomAD no frequency). This missense change has been observed in individual(s) with autosomal recessive Alport syndrome (PMID: 31934206). It has also been observed to segregate with disease in related individuals. ClinVar contains an entry for this variant (Variation ID: 562397). Advanced modeling of protein sequence and biophysical properties (such as structural, functional, and spatial information, amino acid conservation, physicochemical variation, residue mobility, and thermodynamic stability) has been performed at Invitae for this missense variant, however the output from this modeling did not meet the statistical confidence thresholds required to predict the impact of this variant on COL4A4 protein function. This variant disrupts the p.Gly475 amino acid residue in COL4A4. Other variant(s) that disrupt this residue have been observed in individuals with COL4A4-related conditions (PMID: 33654185; Invitae), which suggests that this may be a clinically significant amino acid residue. In summary, the currently available evidence indicates that the variant is pathogenic, but additional data are needed to prove that conclusively. Therefore, this variant has been classified as Likely Pathogenic.

Blueprint Genetics
Classification: Likely pathogenic for COL4A4-related disorders. Last evaluated: 2022-12-21. Review status: criteria provided, single submitter. Criteria: ACMG Guidelines, 2015. Collection method: clinical testing. Allele origin: germline. Affected: yes. Observed: 1 variant allele.

Gharavi Laboratory, Columbia University
Classification: Likely pathogenic. Last evaluated: 2018-09-16. Review status: no assertion criteria provided. Criteria: ACMG Guidelines, 2015. Collection method: research. Allele origin: germline. Affected: yes. Not counted in ClinVar's aggregate classification.

Literature cited by the submitters: PubMed 31934206 (cited by Natera, Inc. and Labcorp Genetics (formerly Invitae), Labcorp); PubMed 33772369 (cited by Natera, Inc.); PubMed 33654185 (cited by Labcorp Genetics (formerly Invitae), Labcorp).